The following is an entry in ClinVar:

NM_001199107.2(TBC1D24):c.207T>C (p.Pro69=)

Gene: TBC1D24 (TBC1 domain family member 24; plus strand). Cytogenetic location: 16p13.3.
Variant type: single nucleotide variant.
Coding change: c.207T>C on transcript NM_001199107.2 (MANE Select); coding-DNA position 207, T replaced by C.
Protein change: p.Pro69=; no amino-acid change (proline 69 retained).
Molecular consequence: synonymous variant.
Genome position (GRCh38, 1-based): chr16:2,496,355, T>C. VCF-style: chr16-2496355-T-C. GRCh37 (hg19) VCF-style: chr16-2546356-T-C.
Other names: p.P69P:CCT>CCC; p.Pro69=; c.207T>C, p.Pro69= (NM_020705.3).
Identifiers: ClinVar variation 130539 (VCV000130539.30), dbSNP rs13339237, ClinGen allele CA289066.

ClinVar aggregate classification (germline): Benign. Review status: criteria provided, multiple submitters, no conflicts (2 of 4 stars). 9 submissions from 9 submitters: Benign (8). 1 of the submissions does not count toward it. Last evaluated 2026-02-03.

Conditions:
Inborn genetic diseases. Identifiers: MedGen C0950123, MeSH D030342.
Developmental and epileptic encephalopathy, 1 (DEE1). Also called: X-linked infantile spasms; West's syndrome; Tonic spasms with clustering, arrest of psychomotor development and hypsarrhythmia on EEG; X-Linked Infantile Spasm Syndrome; OHTAHARA SYNDROME, X-LINKED; INFANTILE SPASM SYNDROME, X-LINKED 1. Identifiers: MedGen C3463992, MONDO:0010632, OMIM 308350. Disease mechanism: loss of function.
Autosomal dominant nonsyndromic hearing loss 65. Also called: Deafness, autosomal dominant 65; TBC1D24-Related Autosomal Dominant Nonsyndromic Hearing Loss (DFNA). Identifiers: Orphanet 90635, MedGen C3892048, MONDO:0014470, OMIM 616044.
Familial infantile myoclonic epilepsy (FIME). Also called: TBC1D24-Related Familial Infantile Myoclonic Epilepsy (FIME); Epilepsy, Myoclonic, Infantile. Identifiers: Orphanet 352582, MedGen C0917800, MONDO:0011506, OMIM 605021.

Allele frequency attached by ClinVar (database versions not stated): gnomAD exomes 0.00676 and 0.01622; ExAC 0.01892; ESP Exome Variant Server 0.05969; gnomAD 0.06245 and 0.05833; 1000 Genomes Project 0.06510; 1000 Genomes Project 30x 0.06590; TOPMed 0.06628.

Submissions (9):

Labcorp Genetics (formerly Invitae), Labcorp
Classification: Benign for Developmental and epileptic encephalopathy, 1; Autosomal dominant nonsyndromic hearing loss 65. Last evaluated: 2026-02-03. Review status: criteria provided, single submitter. Criteria: Invitae Variant Classification Sherloc (09022015). Collection method: clinical testing. Allele origin: germline.

Mayo Clinic Laboratories, Mayo Clinic
Classification: Benign. Last evaluated: 2022-04-17. Review status: criteria provided, single submitter. Criteria: ACMG Guidelines, 2015. Collection method: clinical testing. Allele origin: germline. Observed: 37 variant alleles.

Illumina Laboratory Services, Illumina
Classification: Benign for Familial infantile myoclonic epilepsy. Last evaluated: 2018-01-12. Review status: criteria provided, single submitter. Criteria: ICSL Variant Classification Criteria 13 December 2019. Collection method: clinical testing. Allele origin: germline.
Comment: This variant was observed in the ICSL laboratory as part of a predisposition screen in an ostensibly healthy population. It had not been previously curated by ICSL or reported in the Human Gene Mutation Database (HGMD: prior to June 1st, 2018), and was therefore a candidate for classification through an automated scoring system. Utilizing variant allele frequency, disease prevalence and penetrance estimates, and inheritance mode, an automated score was calculated to assess if this variant is too frequent to cause the disease. Based on the score and internal cut-off values, a variant classified as benign is not then subjected to further curation. The score for this variant resulted in a classification of benign for this disease.

Ambry Genetics
Classification: Benign for Inborn genetic diseases. Last evaluated: 2016-01-08. Review status: criteria provided, single submitter. Criteria: Ambry Variant Classification Scheme 2023. Collection method: clinical testing. Allele origin: germline.

Laboratory for Molecular Medicine, Mass General Brigham Personalized Medicine
Classification: Benign. Last evaluated: 2015-01-13. Review status: criteria provided, single submitter. Criteria: LMM Criteria. Collection method: clinical testing. Allele origin: germline. Observed: 43 variant alleles.
Comment: p.Pro69Pro in exon 2 of TBC1D24: This variant is not expected to have clinical s ignificance because it does not alter an amino acid residue and is not located w ithin the splice consensus sequence. It has been identified in 17.3% (748/4314) of African American chromosomes from a broad population by the NHLBI Exome Seque ncing Project (dbSNP rs13339237).

GeneDx
Classification: Benign. Last evaluated: 2013-10-30. Review status: criteria provided, single submitter. Criteria: GeneDx Variant Classification (06012015). Collection method: clinical testing. Allele origin: germline. Affected: yes.
Comment: This variant is considered likely benign or benign based on one or more of the following criteria: it is a conservative change, it occurs at a poorly conserved position in the protein, it is predicted to be benign by multiple in silico algorithms, and/or has population frequency not consistent with disease.

Breakthrough Genomics
Classification: Benign. Review status: criteria provided, single submitter. Criteria: ACMG Guidelines, 2015. Collection method: not provided. Allele origin: germline. Inheritance: Autosomal recessive inheritance. Affected: yes.

PreventionGenetics, part of Exact Sciences
Classification: Benign. Review status: criteria provided, single submitter. Criteria: ACMG Guidelines, 2015. Collection method: clinical testing. Allele origin: germline.

Genetic Services Laboratory, University of Chicago
Classification: Likely benign for AllHighlyPenetrant. Review status: no assertion criteria provided. Collection method: clinical testing. Allele origin: germline. Inheritance: Autosomal recessive inheritance. Not counted in ClinVar's aggregate classification.
Comment: Likely benign based on allele frequency in 1000 Genomes Project or ESP global frequency and its presence in a patient with a rare or unrelated disease phenotype. NOT Sanger confirmed.